The following is an entry in ClinVar:

ClinVar aggregate classification (germline): Uncertain significance. Review status: criteria provided, multiple submitters, no conflicts (2 of 4 stars). 2 submissions from 2 submitters: Uncertain significance (2). Last evaluated 2022-05-19.

Conditions:
Bardet-Biedl syndrome (BBS). Identifiers: Orphanet 110, MedGen C0752166, MONDO:0015229.

Allele frequency attached by ClinVar (database versions not stated): gnomAD exomes below 0.00001; ExAC 0.00001; TOPMed 0.00001; ESP Exome Variant Server 0.00015.
gnomAD v4.1: 3 of 1,612,282 alleles (0.00019%); highest among the groups gnomAD compares: Admixed American, 0.0017%; no homozygotes.

Submissions (2):

Labcorp Genetics (formerly Invitae), Labcorp
Classification: Uncertain significance for Bardet-Biedl syndrome. Last evaluated: 2022-05-19. Review status: criteria provided, single submitter. Criteria: Invitae Variant Classification Sherloc (09022015). Collection method: clinical testing. Allele origin: germline.
Comment: This sequence change replaces proline, which is neutral and non-polar, with leucine, which is neutral and non-polar, at codon 199 of the BBS4 protein (p.Pro199Leu). This variant is present in population databases (rs369384171, gnomAD 0.0009%). This variant has not been reported in the literature in individuals affected with BBS4-related conditions. Algorithms developed to predict the effect of missense changes on protein structure and function are either unavailable or do not agree on the potential impact of this missense change (SIFT: "Deleterious"; PolyPhen-2: "Possibly Damaging"; Align-GVGD: "Class C0"). Algorithms developed to predict the effect of sequence changes on RNA splicing suggest that this variant may disrupt the consensus splice site. In summary, the available evidence is currently insufficient to determine the role of this variant in disease. Therefore, it has been classified as a Variant of Uncertain Significance.

Blueprint Genetics
Classification: Uncertain significance. Last evaluated: 2021-10-21. Review status: criteria provided, single submitter. Criteria: ACMG Guidelines, 2015. Collection method: clinical testing. Allele origin: germline.

NM_033028.5(BBS4):c.596C>T (p.Pro199Leu)

Gene: BBS4 (Bardet-Biedl syndrome 4; plus strand). Cytogenetic location: 15q24.1.
Variant type: single nucleotide variant.
Coding change: c.596C>T on transcript NM_033028.5 (MANE Select); coding-DNA position 596, C replaced by T.
Protein change: p.Pro199Leu; replaces proline 199 with leucine.
Molecular consequence: missense variant. On other transcripts: non-coding transcript variant (2).
Genome position (GRCh38, 1-based): chr15:72,727,948, C>T. VCF-style: chr15-72727948-C-T. GRCh37 (hg19) VCF-style: chr15-73020289-C-T.
Other names: c.80C>T, p.Pro27Leu (NM_001252678.2); c.596C>T, p.Pro199Leu (NM_001320665.2); short protein forms P199L, P27L.
Identifiers: ClinVar variation 1965100 (VCV001965100.3), dbSNP rs369384171, ClinGen allele CA7646692.